The following is an entry in ClinVar:

NM_005477.3(HCN4):c.257A>G (p.Lys86Arg)

Gene: HCN4 (hyperpolarization activated cyclic nucleotide gated potassium channel 4; minus strand). Cytogenetic location: 15q24.1.
Variant type: single nucleotide variant.
Coding change: c.257A>G on transcript NM_005477.3 (MANE Select); coding-DNA position 257, A replaced by G.
Protein change: p.Lys86Arg; replaces lysine 86 with arginine.
Molecular consequence: missense variant.
Genome position (GRCh38, 1-based): chr15:73,368,014, T>C on the plus strand (A>G on the coding strand, the complement: HCN4 is on the minus strand). VCF-style: chr15-73368014-T-C. GRCh37 (hg19) VCF-style: chr15-73660355-T-C.
Other names: short protein forms K86R.
Identifiers: ClinVar variation 2626612 (VCV002626612.4), dbSNP rs549753996, ClinGen allele CA272700475.

ClinVar aggregate classification (germline): Uncertain significance. Review status: criteria provided, multiple submitters, no conflicts (2 of 4 stars). 2 submissions from 2 submitters: Uncertain significance (2). Last evaluated 2025-10-23.

Conditions:
Cardiovascular phenotype. Identifiers: MedGen CN230736.
Brugada syndrome 8 (BRGDA8). Identifiers: Orphanet 130, MedGen C2751083, MONDO:0013148, OMIM 613123.

Allele frequency attached by ClinVar (database versions not stated): gnomAD exomes below 0.00001; TOPMed 0.00002; 1000 Genomes Project 0.00020; gnomAD 0.00001; 1000 Genomes Project 30x 0.00016.
gnomAD v4.1: 5 of 1,418,030 alleles (0.00035%); highest among the groups gnomAD compares: East Asian, 0.0092%; no homozygotes.

Submissions (2):

Labcorp Genetics (formerly Invitae), Labcorp
Classification: Uncertain significance for Brugada syndrome 8. Last evaluated: 2025-10-23. Review status: criteria provided, single submitter. Criteria: Invitae Variant Classification Sherloc (09022015). Collection method: clinical testing. Allele origin: germline.
Comment: This sequence change replaces lysine, which is basic and polar, with arginine, which is basic and polar, at codon 86 of the HCN4 protein (p.Lys86Arg). This variant is not present in population databases (gnomAD no frequency). This variant has not been reported in the literature in individuals affected with HCN4-related conditions. ClinVar contains an entry for this variant (Variation ID: 2626612). Invitae Evidence Modeling of protein sequence and biophysical properties (such as structural, functional, and spatial information, amino acid conservation, physicochemical variation, residue mobility, and thermodynamic stability) indicates that this missense variant is not expected to disrupt HCN4 protein function with a negative predictive value of 95%. In summary, the available evidence is currently insufficient to determine the role of this variant in disease. Therefore, it has been classified as a Variant of Uncertain Significance.

Ambry Genetics
Classification: Uncertain significance for Cardiovascular phenotype. Last evaluated: 2024-02-06. Review status: criteria provided, single submitter. Criteria: Ambry Variant Classification Scheme 2023. Collection method: clinical testing. Allele origin: germline.